The following is an entry in ClinVar:

ClinVar aggregate classification (germline): Uncertain significance. Review status: criteria provided, multiple submitters, no conflicts (2 of 4 stars). 2 submissions from 2 submitters: Uncertain significance (2). Last evaluated 2026-01-09.

Allele frequency attached by ClinVar (database versions not stated): ExAC 0.00002; ESP Exome Variant Server 0.00008.
gnomAD v4.1: 14 of 1,613,754 alleles (0.00087%); highest among the groups gnomAD compares: East Asian, 0.0045%; no homozygotes.

Submissions (2):

Labcorp Genetics (formerly Invitae), Labcorp
Classification: Uncertain significance. Last evaluated: 2026-01-09. Review status: criteria provided, single submitter. Criteria: Invitae Variant Classification Sherloc (09022015). Collection method: clinical testing. Allele origin: germline.
Comment: This sequence change replaces arginine, which is basic and polar, with cysteine, which is neutral and slightly polar, at codon 1154 of the ZNF687 protein (p.Arg1154Cys). This variant is present in population databases (rs139589523, gnomAD 0.004%). This variant has not been reported in the literature in individuals affected with ZNF687-related conditions. ClinVar contains an entry for this variant (Variation ID: 2639170). An algorithm developed to predict the effect of missense changes on protein structure and function (PolyPhen-2) suggests that this variant is likely to be tolerated. In summary, the available evidence is currently insufficient to determine the role of this variant in disease. Therefore, it has been classified as a Variant of Uncertain Significance.

CeGaT Center for Human Genetics Tuebingen
Classification: Uncertain significance. Last evaluated: 2022-11-01. Review status: criteria provided, single submitter. Criteria: CeGaT Center For Human Genetics Tuebingen Variant Classification Criteria Version 2. Collection method: clinical testing. Allele origin: germline. Affected: yes. Observed: 1 variant allele.

NM_020832.3(ZNF687):c.3460C>T (p.Arg1154Cys)

Gene: ZNF687 (zinc finger protein 687; plus strand). Cytogenetic location: 1q21.3.
Variant type: single nucleotide variant.
Coding change: c.3460C>T on transcript NM_020832.3 (MANE Select); coding-DNA position 3460, C replaced by T.
Protein change: p.Arg1154Cys; replaces arginine 1154 with cysteine.
Molecular consequence: missense variant.
Genome position (GRCh38, 1-based): chr1:151,290,955, C>T. VCF-style: chr1-151290955-C-T. GRCh37 (hg19) VCF-style: chr1-151263431-C-T.
Other names: c.3460C>T, p.Arg1154Cys (NM_001304763.2, NM_001304764.2); short protein forms R1154C.
Identifiers: ClinVar variation 2639170 (VCV002639170.25), dbSNP rs139589523, ClinGen allele CA1088881.
Genomic context (GRCh38, chr1:151,290,955, plus strand): 5'-GCCCAGCAGTGCCTCGACTGTGGCTTGTGCTTTGCCTCCCCTGGCTCCCTGAGCCGACAC[C>T]GTTTCATCAGCCACAAGAAGAGACGGGGTGTGGGTAAAGCCAGTGCCCTGGGGCTGGGGG-3'
Protein context (NP_065883.1, residues 1144-1164): FASPGSLSRH[Arg1154Cys]FISHKKRRGV